The following is an entry in ClinVar:

NM_006268.5(DPF2):c.397G>C (p.Ala133Pro)

Gene: DPF2 (double PHD fingers 2; plus strand). Cytogenetic location: 11q13.1.
Variant type: single nucleotide variant.
Coding change: c.397G>C on transcript NM_006268.5 (MANE Select); coding-DNA position 397, G replaced by C.
Protein change: p.Ala133Pro; replaces alanine 133 with proline.
Molecular consequence: missense variant.
Genome position (GRCh38, 1-based): chr11:65,341,494, G>C. VCF-style: chr11-65341494-G-C. GRCh37 (hg19) VCF-style: chr11-65108965-G-C.
Other names: c.397G>C (NM_006268.4); c.397G>C, p.Ala133Pro (NM_001330308.2); short protein forms A133P.
Identifiers: ClinVar variation 2441021 (VCV002441021.5), dbSNP rs776722476, ClinGen allele CA381250615.

ClinVar aggregate classification (germline): Uncertain significance. Review status: criteria provided, multiple submitters, no conflicts (2 of 4 stars). 3 submissions from 3 submitters: Uncertain significance (3). Last evaluated 2025-11-26.

Conditions:
Inborn genetic diseases. Identifiers: MedGen C0950123, MeSH D030342.
Coffin-Siris syndrome 7. Identifiers: MedGen C4747954, MONDO:0054831, OMIM 618027.

gnomAD v4.1: 14 of 1,614,114 alleles (0.00087%); highest among the groups gnomAD compares: Non-Finnish European, 0.0012%; no homozygotes.

Submissions (3):

Labcorp Genetics (formerly Invitae), Labcorp
Classification: Uncertain significance. Last evaluated: 2025-11-26. Review status: criteria provided, single submitter. Criteria: Invitae Variant Classification Sherloc (09022015). Collection method: clinical testing. Allele origin: germline.
Comment: This sequence change replaces alanine, which is neutral and non-polar, with proline, which is neutral and non-polar, at codon 133 of the DPF2 protein (p.Ala133Pro). This variant is present in population databases (no rsID available, gnomAD 0.0009%). This variant has not been reported in the literature in individuals affected with DPF2-related conditions. ClinVar contains an entry for this variant (Variation ID: 2441021). An algorithm developed to predict the effect of missense changes on protein structure and function (PolyPhen-2) suggests that this variant is likely to be tolerated. In summary, the available evidence is currently insufficient to determine the role of this variant in disease. Therefore, it has been classified as a Variant of Uncertain Significance.

Ambry Genetics
Classification: Uncertain significance for Inborn genetic diseases. Last evaluated: 2025-05-06. Review status: criteria provided, single submitter. Criteria: Ambry Variant Classification Scheme 2023. Collection method: clinical testing. Allele origin: germline.

Revvity Omics, Revvity
Classification: Uncertain significance for Coffin-Siris syndrome 7. Last evaluated: 2022-08-04. Review status: criteria provided, single submitter. Criteria: ACMG Guidelines, 2015. Collection method: clinical testing. Allele origin: germline.